The following is an entry in ClinVar:

ClinVar aggregate classification (germline): Uncertain significance (1 of 4 stars; one submission).

Conditions:
Renal coloboma syndrome (PAPRS). Also called: PAPILLORENAL SYNDROME; COLOBOMA OF OPTIC NERVE WITH RENAL DISEASE; OPTIC COLOBOMA, VESICOURETERAL REFLUX, AND RENAL ANOMALIES; OPTIC NERVE COLOBOMA WITH RENAL DISEASE; RENAL-COLOBOMA SYNDROME WITH MACULAR ABNORMALITIES; PAPILLORENAL SYNDROME WITH MILD OCULAR ABNORMALITIES. Identifiers: Orphanet 1475, MedGen C1852759, MONDO:0007352, OMIM 120330.
Focal segmental glomerulosclerosis 7 (FSGS7). Identifiers: Orphanet 656, MedGen C4014925, MONDO:0014451, OMIM 616002.

gnomAD v4.1: 31 of 1,613,252 alleles (0.0019%); highest among the groups gnomAD compares: East Asian, 0.0045%; no homozygotes.

Submission:

Labcorp Genetics (formerly Invitae), Labcorp
Classification: Uncertain significance for Renal coloboma syndrome; Focal segmental glomerulosclerosis 7. Last evaluated: 2024-03-18. Review status: criteria provided, single submitter. Criteria: Invitae Variant Classification Sherloc (09022015). Collection method: clinical testing. Allele origin: germline.
Comment: This sequence change replaces methionine, which is neutral and non-polar, with valine, which is neutral and non-polar, at codon 3 of the PAX2 protein (p.Met3Val). This variant is present in population databases (rs780113818, gnomAD 0.007%). This variant has not been reported in the literature in individuals affected with PAX2-related conditions. Experimental studies and prediction algorithms are not available or were not evaluated, and the functional significance of this variant is currently unknown. In summary, the available evidence is currently insufficient to determine the role of this variant in disease. Therefore, it has been classified as a Variant of Uncertain Significance.

NM_000278.5(PAX2):c.7A>G (p.Met3Val)

Gene: PAX2 (paired box 2; plus strand). Cytogenetic location: 10q24.31.
Variant type: single nucleotide variant.
Coding change: c.7A>G on transcript NM_000278.5 (MANE Select); coding-DNA position 7, A replaced by G.
Protein change: p.Met3Val; replaces methionine 3 with valine.
Molecular consequence: missense variant.
Genome position (GRCh38, 1-based): chr10:100,746,267, A>G. VCF-style: chr10-100746267-A-G. GRCh37 (hg19) VCF-style: chr10-102506024-A-G.
Other names: c.100A>G, p.Met34Val (NM_001304569.2, NM_001374303.1); c.7A>G, p.Met3Val (NM_003987.5, NM_003988.5, NM_003989.5 and 1 more transcripts); short protein forms M34V, M3V.
Identifiers: ClinVar variation 3762536 (VCV003762536.2).